The following is an entry in ClinVar:

ClinVar aggregate classification (germline): Pathogenic (1 of 4 stars; one submission).

Conditions:
Autosomal recessive limb-girdle muscular dystrophy type R18 (LGMDR18). Also called: Autosomal recessive limb-girdle muscular dystrophy type 2S; Limb-girdle muscular dystrophy, type 2S; MUSCULAR DYSTROPHY, LIMB-GIRDLE, AUTOSOMAL RECESSIVE 18. Identifiers: Orphanet 369840, MedGen C4517996, MONDO:0014144, OMIM 615356.

Submission:

Labcorp Genetics (formerly Invitae), Labcorp
Classification: Pathogenic for Autosomal recessive limb-girdle muscular dystrophy type R18. Last evaluated: 2023-11-17. Review status: criteria provided, single submitter. Criteria: Invitae Variant Classification Sherloc (09022015). Collection method: clinical testing. Allele origin: germline.
Comment: This sequence change creates a premature translational stop signal (p.Gln606*) in the TRAPPC11 gene. It is expected to result in an absent or disrupted protein product. Loss-of-function variants in TRAPPC11 are known to be pathogenic (PMID: 23830518, 26322222). This variant is not present in population databases (gnomAD no frequency). This premature translational stop signal has been observed in individual(s) with TRAPPC11-related conditions (PMID: 34648194). Algorithms developed to predict the effect of sequence changes on RNA splicing suggest that this variant may disrupt the consensus splice site. For these reasons, this variant has been classified as Pathogenic.

Literature cited by the submitters: PubMed 23830518; PubMed 26322222; PubMed 34648194.

NM_021942.6(TRAPPC11):c.1816C>T (p.Gln606Ter)

Gene: TRAPPC11 (trafficking protein particle complex subunit 11; plus strand). Cytogenetic location: 4q35.1.
Variant type: single nucleotide variant.
Coding change: c.1816C>T on transcript NM_021942.6 (MANE Select); coding-DNA position 1816, C replaced by T.
Protein change: p.Gln606Ter; replaces glutamine 606 with a stop codon.
Molecular consequence: nonsense.
Genome position (GRCh38, 1-based): chr4:183,686,671, C>T. VCF-style: chr4-183686671-C-T. GRCh37 (hg19) VCF-style: chr4-184607824-C-T.
Other names: c.1816C>T, p.Gln606Ter (NM_199053.3); short protein forms Q606*.
Identifiers: ClinVar variation 2756727 (VCV002756727.3), dbSNP rs1171897657, ClinGen allele CA358869756.